The following is an entry in ClinVar:

ClinVar aggregate classification (germline): Uncertain significance. Review status: criteria provided, multiple submitters, no conflicts (2 of 4 stars). 3 submissions from 3 submitters: Uncertain significance (3). Last evaluated 2025-12-24.

Conditions:
RASopathy. Also called: rasopathies; Noonan spectrum disorder. Identifiers: Orphanet 536391, MedGen C5555857, MONDO:0021060.
Cardiovascular phenotype. Identifiers: MedGen CN230736.
Cardiofaciocutaneous syndrome 4 (CFC4). Also called: MAP2K2-Related Cardiofaciocutaneous Syndrome. Identifiers: Orphanet 1340, MedGen C3809007, MONDO:0014114, OMIM 615280.

Allele frequency attached by ClinVar (database versions not stated): gnomAD exomes below 0.00001; TOPMed below 0.00001; ExAC 0.00003; gnomAD 0.00001.
gnomAD v4.1: 7 of 1,611,724 alleles (0.00043%); highest among the groups gnomAD compares: African/African-American, 0.0067%; no homozygotes.

Submissions (3):

Labcorp Genetics (formerly Invitae), Labcorp
Classification: Uncertain significance for RASopathy. Last evaluated: 2025-12-24. Review status: criteria provided, single submitter. Criteria: Invitae Variant Classification Sherloc (09022015). Collection method: clinical testing. Allele origin: germline.
Comment: This sequence change replaces methionine, which is neutral and non-polar, with threonine, which is neutral and polar, at codon 253 of the MAP2K2 protein (p.Met253Thr). This variant is present in population databases (rs763860544, gnomAD 0.01%). This variant has not been reported in the literature in individuals affected with MAP2K2-related conditions. ClinVar contains an entry for this variant (Variation ID: 2140580). Invitae Evidence Modeling of protein sequence and biophysical properties (such as structural, functional, and spatial information, amino acid conservation, physicochemical variation, residue mobility, and thermodynamic stability) has been performed for this missense variant. However, the output from this modeling did not meet the statistical confidence thresholds required to predict the impact of this variant on MAP2K2 protein function. In summary, the available evidence is currently insufficient to determine the role of this variant in disease. Therefore, it has been classified as a Variant of Uncertain Significance.

Ambry Genetics
Classification: Uncertain significance for Cardiovascular phenotype. Last evaluated: 2025-05-02. Review status: criteria provided, single submitter. Criteria: Ambry Variant Classification Scheme 2023. Collection method: clinical testing. Allele origin: germline.
Comment: The p.M253T variant (also known as c.758T>C), located in coding exon 7 of the MAP2K2 gene, results from a T to C substitution at nucleotide position 758. The methionine at codon 253 is replaced by threonine, an amino acid with similar properties. This amino acid position is conserved. In addition, this alteration is predicted to be deleterious by in silico analysis. Based on the available evidence, the clinical significance of this variant remains unclear.

Fulgent Genetics
Classification: Uncertain significance for Cardiofaciocutaneous syndrome 4. Last evaluated: 2024-02-12. Review status: criteria provided, single submitter. Criteria: ACMG Guidelines, 2015. Collection method: clinical testing. Allele origin: germline.

NM_030662.4(MAP2K2):c.758T>C (p.Met253Thr)

Gene: MAP2K2 (mitogen-activated protein kinase kinase 2; minus strand). Cytogenetic location: 19p13.3.
Variant type: single nucleotide variant.
Coding change: c.758T>C on transcript NM_030662.4 (MANE Select); coding-DNA position 758, T replaced by C.
Protein change: p.Met253Thr; replaces methionine 253 with threonine.
Molecular consequence: missense variant.
Genome position (GRCh38, 1-based): chr19:4,099,362, A>G on the plus strand (T>C on the coding strand, the complement: MAP2K2 is on the minus strand). VCF-style: chr19-4099362-A-G. GRCh37 (hg19) VCF-style: chr19-4099360-A-G.
Other names: short protein forms M253T.
Identifiers: ClinVar variation 2140580 (VCV002140580.6), dbSNP rs763860544, ClinGen allele CA9090835.
Genomic context (GRCh38, chr19:4,099,362, plus strand): 5'-TTGGCGTCGGGCGGGGGGATGGGGTACCTTCCGACGGCCAGCTCCACCAGGGACAGGCCC[A>G]TGCTCCAGATGTCCGACTGCACCGAGTAATGTGTGCCCTGCAACCGCTCCGGCTGCAGCA-3'
Protein context (NP_109587.1, residues 243-263): HYSVQSDIWS[Met253Thr]GLSLVELAVG